The following is an entry in ClinVar:

ClinVar aggregate classification (germline): Uncertain significance. Review status: criteria provided, multiple submitters, no conflicts (2 of 4 stars). 2 submissions from 2 submitters: Uncertain significance (2). Last evaluated 2024-08-22.

Conditions:
Colorectal cancer, hereditary nonpolyposis, type 7. Identifiers: Orphanet 144, MedGen C1858380, MONDO:0013725, OMIM 614385.

Submissions (2):

Ambry Genetics
Classification: Uncertain significance. Last evaluated: 2024-08-22. Review status: criteria provided, single submitter. Criteria: Ambry Variant Classification Scheme 2023. Collection method: clinical testing. Allele origin: germline.
Comment: The p.S1104R variant (also known as c.3310A>C), located in coding exon 2 of the MLH3 gene, results from an A to C substitution at nucleotide position 3310. The serine at codon 1104 is replaced by arginine, an amino acid with dissimilar properties. This amino acid position is conserved. In addition, the in silico prediction for this alteration is inconclusive. Since supporting evidence is limited at this time, the clinical significance of this alteration remains unclear.

Labcorp Genetics (formerly Invitae), Labcorp
Classification: Uncertain significance for Colorectal cancer, hereditary nonpolyposis, type 7. Last evaluated: 2018-09-27. Review status: criteria provided, single submitter. Criteria: Invitae Variant Classification Sherloc (09022015). Collection method: clinical testing. Allele origin: germline.
Comment: Algorithms developed to predict the effect of missense changes on protein structure and function are either unavailable or do not agree on the potential impact of this missense change (SIFT: "Tolerated"; PolyPhen-2: "Possibly Damaging"; Align-GVGD: "Class C0"). This variant has not been reported in the literature in individuals with MLH3-related disease. This variant is not present in population databases (ExAC no frequency). This sequence change replaces serine with arginine at codon 1104 of the MLH3 protein (p.Ser1104Arg). The serine residue is moderately conserved and there is a moderate physicochemical difference between serine and arginine. In summary, the available evidence is currently insufficient to determine the role of this variant in disease. Therefore, it has been classified as a Variant of Uncertain Significance.

NM_001040108.2(MLH3):c.3310A>C (p.Ser1104Arg)

Gene: MLH3 (mutL homolog 3; minus strand). Cytogenetic location: 14q24.3.
Variant type: single nucleotide variant.
Coding change: c.3310A>C on transcript NM_001040108.2 (MANE Select); coding-DNA position 3310, A replaced by C.
Protein change: p.Ser1104Arg; replaces serine 1104 with arginine.
Molecular consequence: missense variant.
Genome position (GRCh38, 1-based): chr14:75,042,448, T>G on the plus strand (A>C on the coding strand, the complement: MLH3 is on the minus strand). VCF-style: chr14-75042448-T-G. GRCh37 (hg19) VCF-style: chr14-75509151-T-G.
Other names: c.3310A>C, p.Ser1104Arg (NM_014381.3); short protein forms S1104R.
Identifiers: ClinVar variation 665667 (VCV000665667.12), dbSNP rs1595075344, ClinGen allele CA390431961.